The following is an entry in ClinVar:

NM_177438.3(DICER1):c.3094A>G (p.Ile1032Val)

Gene: DICER1 (dicer 1, ribonuclease III; minus strand). Cytogenetic location: 14q32.13.
Variant type: single nucleotide variant.
Coding change: c.3094A>G on transcript NM_177438.3 (MANE Select); coding-DNA position 3094, A replaced by G.
Protein change: p.Ile1032Val; replaces isoleucine 1032 with valine.
Molecular consequence: missense variant. On other transcripts: non-coding transcript variant (6).
Genome position (GRCh38, 1-based): chr14:95,105,246, T>C on the plus strand (A>G on the coding strand, the complement: DICER1 is on the minus strand). VCF-style: chr14-95105246-T-C. GRCh37 (hg19) VCF-style: chr14-95571583-T-C.
Other names: c.3094A>G, p.Ile1032Val (NM_001195573.1, NM_001271282.3, NM_001291628.2 and 12 more transcripts); c.2812A>G, p.Ile938Val (NM_001395686.1); c.2689A>G, p.Ile897Val (NM_001395687.1, NM_001395688.1, NM_001395689.1 and 2 more transcripts); c.2527A>G, p.Ile843Val (NM_001395691.1); c.1411A>G, p.Ile471Val (NM_001395697.1); short protein forms I471V, I897V, I843V, I1032V, I938V.
Identifiers: ClinVar variation 3501825 (VCV003501825.1).

ClinVar aggregate classification (germline): Uncertain significance (1 of 4 stars; one submission).

Conditions:
Hereditary cancer-predisposing syndrome. Also called: Tumor predisposition; Neoplastic Syndromes, Hereditary; Hereditary Cancer Syndrome; Hereditary neoplastic syndrome. Identifiers: Orphanet 140162, MedGen C0027672, MeSH D009386, MONDO:0015356.

gnomAD v4.1: 4 of 1,613,060 alleles (0.00025%); highest among the groups gnomAD compares: Non-Finnish European, 0.00034%; no homozygotes.

Submission:

Ambry Genetics
Classification: Uncertain significance for Hereditary cancer-predisposing syndrome. Last evaluated: 2024-09-10. Review status: criteria provided, single submitter. Criteria: Ambry Variant Classification Scheme 2023. Collection method: clinical testing. Allele origin: germline.
Comment: The p.I1032V variant (also known as c.3094A>G) is located in coding exon 19 of the DICER1 gene. The isoleucine at codon 1032 is replaced by valine, an amino acid with highly similar properties. This change occurs in the first base pair of coding exon 19. This amino acid position is highly conserved in available vertebrate species. In addition, this alteration is predicted to be tolerated by in silico analysis. Based on the available evidence, the clinical significance of this variant remains unclear.